The following is an entry in ClinVar:

ClinVar aggregate classification (germline): Uncertain significance. Review status: criteria provided, multiple submitters, no conflicts (2 of 4 stars). 2 submissions from 2 submitters: Uncertain significance (2). Last evaluated 2024-05-30.

Conditions:
Wolfram syndrome 2 (WFS2). Identifiers: Orphanet 3463, MedGen C1858028, MONDO:0011502, OMIM 604928.

Allele frequency attached by ClinVar (database versions not stated): gnomAD 0.00001; gnomAD exomes 0.00001; ExAC 0.00002.
gnomAD v4.1: 10 of 1,613,874 alleles (0.00062%); highest among the groups gnomAD compares: South Asian, 0.0044%; no homozygotes.

Submissions (2):

Fulgent Genetics
Classification: Uncertain significance for Wolfram syndrome 2. Last evaluated: 2024-05-30. Review status: criteria provided, single submitter. Criteria: ACMG Guidelines, 2015. Collection method: clinical testing. Allele origin: germline.

Labcorp Genetics (formerly Invitae), Labcorp
Classification: Uncertain significance. Last evaluated: 2022-08-10. Review status: criteria provided, single submitter. Criteria: Invitae Variant Classification Sherloc (09022015). Collection method: clinical testing. Allele origin: germline.
Comment: Algorithms developed to predict the effect of missense changes on protein structure and function are either unavailable or do not agree on the potential impact of this missense change (SIFT: "Tolerated"; PolyPhen-2: "Probably Damaging"; Align-GVGD: "Class C0"). This sequence change replaces arginine, which is basic and polar, with histidine, which is basic and polar, at codon 57 of the CISD2 protein (p.Arg57His). This variant is present in population databases (rs780388471, gnomAD 0.003%). This variant has not been reported in the literature in individuals affected with CISD2-related conditions. In summary, the available evidence is currently insufficient to determine the role of this variant in disease. Therefore, it has been classified as a Variant of Uncertain Significance.

NM_001008388.5(CISD2):c.170G>A (p.Arg57His)

Genes: CISD2 (CDGSH iron sulfur domain 2; plus strand), SLC9B1 (solute carrier family 9 member B1; minus strand). Cytogenetic location: 4q24.
Variant type: single nucleotide variant.
Coding change: c.170G>A on transcript NM_001008388.5 (MANE Select); coding-DNA position 170, G replaced by A.
Protein change: p.Arg57His; replaces arginine 57 with histidine.
Molecular consequence: missense variant. On other transcripts: non-coding transcript variant (2).
Genome position (GRCh38, 1-based): chr4:102,885,282, G>A. VCF-style: chr4-102885282-G-A. GRCh37 (hg19) VCF-style: chr4-103806439-G-A.
Other names: c.1379C>T, p.Thr460Met (NM_001100874.3); short protein forms R57H, T460M.
Identifiers: ClinVar variation 2420837 (VCV002420837.5), dbSNP rs780388471, ClinGen allele CA3027702.
Genomic context (GRCh38, chr4:102,885,282, plus strand): 5'-AATGGCTTCGGTTATTGCCTTTCCTTGGTGTACTCGCACTTCTTGGCTACCTTGCAGTTC[G>A]TCCATTCCTCCCGAAGAAGAAACAACAGAAGGATAGCTTGATTAATCTTAAAATACAAAA-3'
Protein context (NP_001008389.1, residues 47-67): VLALLGYLAV[Arg57His]PFLPKKKQQK